The following is an entry in ClinVar:

NM_005477.3(HCN4):c.1966T>G (p.Ser656Ala)

Gene: HCN4 (hyperpolarization activated cyclic nucleotide gated potassium channel 4; minus strand). Cytogenetic location: 15q24.1.
Variant type: single nucleotide variant.
Coding change: c.1966T>G on transcript NM_005477.3 (MANE Select); coding-DNA position 1966, T replaced by G.
Protein change: p.Ser656Ala; replaces serine 656 with alanine.
Molecular consequence: missense variant.
Genome position (GRCh38, 1-based): chr15:73,324,967, A>C on the plus strand (T>G on the coding strand, the complement: HCN4 is on the minus strand). VCF-style: chr15-73324967-A-C. GRCh37 (hg19) VCF-style: chr15-73617308-A-C.
Other names: short protein forms S656A.
Identifiers: ClinVar variation 849190 (VCV000849190.9), dbSNP rs377612051, ClinGen allele CA393090486.

ClinVar aggregate classification (germline): Uncertain significance (1 of 4 stars; one submission).

Conditions:
Brugada syndrome 8 (BRGDA8). Identifiers: Orphanet 130, MedGen C2751083, MONDO:0013148, OMIM 613123.

Submission:

Labcorp Genetics (formerly Invitae), Labcorp
Classification: Uncertain significance for Brugada syndrome 8. Last evaluated: 2019-11-19. Review status: criteria provided, single submitter. Criteria: Invitae Variant Classification Sherloc (09022015). Collection method: clinical testing. Allele origin: germline.
Comment: In summary, the available evidence is currently insufficient to determine the role of this variant in disease. Therefore, it has been classified as a Variant of Uncertain Significance. This variant has not been reported in the literature in individuals with HCN4-related conditions. This variant is not present in population databases (ExAC no frequency). This sequence change replaces serine with alanine at codon 656 of the HCN4 protein (p.Ser656Ala). The serine residue is highly conserved and there is a moderate physicochemical difference between serine and alanine.